The following is an entry in ClinVar:

NM_001110556.2(FLNA):c.4343C>T (p.Ala1448Val)

Gene: FLNA (filamin A; minus strand). Cytogenetic location: Xq28.
Variant type: single nucleotide variant.
Coding change: c.4343C>T on transcript NM_001110556.2 (MANE Select); coding-DNA position 4343, C replaced by T.
Protein change: p.Ala1448Val; replaces alanine 1448 with valine.
Molecular consequence: missense variant.
Genome position (GRCh38, 1-based): chrX:154,359,115, G>A on the plus strand (C>T on the coding strand, the complement: FLNA is on the minus strand). VCF-style: chrX-154359115-G-A. GRCh37 (hg19) VCF-style: chrX-153587483-G-A.
Other names: c.4343C>T, p.Ala1448Val (NM_001456.4); short protein forms A1448V.
Identifiers: ClinVar variation 653147 (VCV000653147.11), dbSNP rs201886752, ClinGen allele CA415217120.

ClinVar aggregate classification (germline): Conflicting classifications of pathogenicity. Review status: criteria provided, conflicting classifications (1 of 4 stars). 2 submissions from 2 submitters: Uncertain significance (1); Likely benign (1). Last evaluated 2024-10-16.

Conditions:
Frontometaphyseal dysplasia (FMD1). Identifiers: Orphanet 1826, MedGen C0265293, MONDO:0015942.
Oto-palato-digital syndrome, type II (OPD2). Also called: FACIOPALATOOSSEOUS SYNDROME; Otopalatodigital Syndrome, Type II; Otopalatodigital Syndrome Type 2 (FLNA-OPD2); OPD II SYNDROME. Identifiers: Orphanet 669, Orphanet 90652, MedGen C1844696, MONDO:0010571, OMIM 304120.
Heterotopia, periventricular, X-linked dominant (PVNH1). Also called: PERIVENTRICULAR NODULAR HETEROTOPIA 4; HETEROTOPIA, PERIVENTRICULAR, 1; PERIVENTRICULAR NODULAR HETEROTOPIA 1; X-linked periventricular heterotopia. Identifiers: Orphanet 2149, Orphanet 82004, MedGen C1848213, MONDO:0010233, OMIM 300049.
Melnick-Needles syndrome (MNS). Also called: Melnick-Needles Syndrome (FLNA-MNS); MELNICK-NEEDLES OSTEODYSPLASTY; OSTEODYSPLASTY OF MELNICK AND NEEDLES. Identifiers: Orphanet 2484, MedGen C0025237, MONDO:0010650, OMIM 309350.

Allele frequency attached by ClinVar (database versions not stated): gnomAD exomes 0.00001.
gnomAD v4.1: 1 of 1,209,945 alleles (0.000083%); highest among the groups gnomAD compares: Admixed American, 0.0022%; no homozygotes.

Submissions (2):

Labcorp Genetics (formerly Invitae), Labcorp
Classification: Likely benign for Oto-palato-digital syndrome, type II; Heterotopia, periventricular, X-linked dominant; Frontometaphyseal dysplasia; Melnick-Needles syndrome. Last evaluated: 2024-10-16. Review status: criteria provided, single submitter. Criteria: Invitae Variant Classification Sherloc (09022015). Collection method: clinical testing. Allele origin: germline.

GeneDx
Classification: Uncertain significance. Last evaluated: 2022-07-01. Review status: criteria provided, single submitter. Criteria: GeneDx Variant Classification Process June 2021. Collection method: clinical testing. Allele origin: germline. Affected: yes.
Comment: In silico analysis supports that this missense variant does not alter protein structure/function; Not observed at significant frequency in large population cohorts (gnomAD); This variant is associated with the following publications: (PMID: 32085749)